The following is an entry in ClinVar:

ClinVar aggregate classification (germline): Conflicting classifications of pathogenicity. Review status: criteria provided, conflicting classifications (1 of 4 stars). 6 submissions from 6 submitters: Uncertain significance (1); Benign (1); Likely benign (4). Last evaluated 2026-04-01.

Conditions:
Cardiovascular phenotype. Identifiers: MedGen CN230736.
Brittle cornea syndrome 1 (BCS1). Also called: CORNEAL FRAGILITY, KERATOGLOBUS, BLUE SCLERAE, JOINT HYPEREXTENSIBILITY; EDS6B; DYSGENESIS MESODERMALIS CORNEAE ET SCLERAE; FRAGILITAS OCULI WITH JOINT HYPEREXTENSIBILITY; Corneal fragility keratoglobus, blue sclerae AND joint hypermobility. Identifiers: Orphanet 90354, MedGen C0268344, MONDO:0024543, OMIM 229200.
ZNF469-related disorder. Also called: ZNF469-related condition.

Allele frequency attached by ClinVar (database versions not stated): gnomAD 0.00013 and 0.00011; TOPMed 0.00029; 1000 Genomes Project 0.00040; 1000 Genomes Project 30x 0.00078; gnomAD exomes 0.00008.
gnomAD v4.1: 133 of 1,550,348 alleles (0.0086%); highest among the groups gnomAD compares: Admixed American, 0.25%; no homozygotes.

Submissions (6):

Women's Health and Genetics/Laboratory Corporation of America, LabCorp
Classification: Likely benign. Last evaluated: 2026-04-01. Review status: criteria provided, single submitter. Criteria: LabCorp Variant Classification Summary - May 2015. Collection method: clinical testing. Allele origin: germline.
Comment: Variant summary: ZNF469 c.7817A>C (p.Gln2606Pro) results in a non-conservative amino acid change in the encoded protein sequence. Algorithms developed to predict the effect of missense changes on protein structure and function are either unavailable or do not agree on the potential impact of this missense change. The variant allele was found at a frequency of 0.00056 in 153040 control chromosomes, predominantly at a frequency of 0.0034 within the Latino subpopulation in the gnomAD database. The observed variant frequency within Latino control individuals in the gnomAD database exceeds the estimated maximal expected allele frequency for disease-causing variants in ZNF469. To our knowledge, no occurrence of c.7817A>C in individuals affected with ZNF469-related conditions and no experimental evidence demonstrating its impact on protein function have been reported. ClinVar contains an entry for this variant (Variation ID: 320978). Based on the evidence outlined above, the variant was classified as likely benign.

CeGaT Center for Human Genetics Tuebingen
Classification: Likely benign. Last evaluated: 2026-02-01. Review status: criteria provided, single submitter. Criteria: CeGaT Center For Human Genetics Tuebingen Variant Classification Criteria Version 2. Collection method: clinical testing. Allele origin: germline. Affected: yes. Observed: 1 variant allele.
Comment: ZNF469: BP4

Labcorp Genetics (formerly Invitae), Labcorp
Classification: Likely benign. Last evaluated: 2026-01-23. Review status: criteria provided, single submitter. Criteria: Invitae Variant Classification Sherloc (09022015). Collection method: clinical testing. Allele origin: germline.

PreventionGenetics, part of Exact Sciences
Classification: Likely benign for ZNF469-related condition. Last evaluated: 2024-10-11. Review status: criteria provided, single submitter. Criteria: ACMG Guidelines, 2015. Collection method: clinical testing. Allele origin: germline.
Comment: This variant is classified as likely benign based on ACMG/AMP sequence variant interpretation guidelines (Richards et al. 2015 PMID: 25741868, with internal and published modifications).

Ambry Genetics
Classification: Benign for Cardiovascular phenotype. Last evaluated: 2024-08-07. Review status: criteria provided, single submitter. Criteria: Ambry Variant Classification Scheme 2023. Collection method: clinical testing. Allele origin: germline.

Baylor Genetics
Classification: Uncertain significance for Brittle cornea syndrome 1. Last evaluated: 2018-08-07. Review status: criteria provided, single submitter. Criteria: ACMG Guidelines, 2015. Collection method: clinical testing. Allele origin: paternal. Affected: yes.
Comment: This variant was determined to be of uncertain significance according to ACMG Guidelines, 2015 [PMID:25741868].

NM_001367624.2(ZNF469):c.7817A>C (p.Gln2606Pro)

Gene: ZNF469 (zinc finger protein 469; plus strand). Cytogenetic location: 16q24.2.
Variant type: single nucleotide variant.
Coding change: c.7817A>C on transcript NM_001367624.2 (MANE Select); coding-DNA position 7817, A replaced by C.
Protein change: p.Gln2606Pro; replaces glutamine 2606 with proline.
Molecular consequence: missense variant.
Genome position (GRCh38, 1-based): chr16:88,435,287, A>C. VCF-style: chr16-88435287-A-C. GRCh37 (hg19) VCF-style: chr16-88501695-A-C.
Other names: NM_001127464.1:c.7733A>C; NM_001127464.2:c.7733A>C; short protein forms Q2606P.
Identifiers: ClinVar variation 320978 (VCV000320978.23), dbSNP rs529250336, ClinGen allele CA10648295.